The following is an entry in ClinVar:

ClinVar aggregate classification (germline): Uncertain significance. Review status: criteria provided, multiple submitters, no conflicts (2 of 4 stars). 2 submissions from 2 submitters: Uncertain significance (2). Last evaluated 2025-12-02.

Conditions:
Charcot-Marie-Tooth disease type 2E (CMT2E). Also called: CHARCOT-MARIE-TOOTH DISEASE, AXONAL, TYPE 2E; CHARCOT-MARIE-TOOTH NEUROPATHY, TYPE 2E. Identifiers: Orphanet 99939, MedGen C1843225, MONDO:0011894, OMIM 607684.
Inborn genetic diseases. Identifiers: MedGen C0950123, MeSH D030342.

Allele frequency attached by ClinVar (database versions not stated): gnomAD exomes below 0.00001 and 0.00001; ExAC 0.00001.

Submissions (2):

Labcorp Genetics (formerly Invitae), Labcorp
Classification: Uncertain significance for Charcot-Marie-Tooth disease type 2E. Last evaluated: 2025-12-02. Review status: criteria provided, single submitter. Criteria: Invitae Variant Classification Sherloc (09022015). Collection method: clinical testing. Allele origin: germline.
Comment: This sequence change replaces asparagine, which is neutral and polar, with histidine, which is basic and polar, at codon 352 of the NEFL protein (p.Asn352His). This variant is present in population databases (rs748970912, gnomAD 0.0009%). This variant has not been reported in the literature in individuals affected with NEFL-related conditions. ClinVar contains an entry for this variant (Variation ID: 1423616). Invitae Evidence Modeling of protein sequence and biophysical properties (such as structural, functional, and spatial information, amino acid conservation, physicochemical variation, residue mobility, and thermodynamic stability) indicates that this missense variant is not expected to disrupt NEFL protein function with a negative predictive value of 80%. In summary, the available evidence is currently insufficient to determine the role of this variant in disease. Therefore, it has been classified as a Variant of Uncertain Significance.

Ambry Genetics
Classification: Uncertain significance for Inborn genetic diseases. Last evaluated: 2021-10-12. Review status: criteria provided, single submitter. Criteria: Ambry Variant Classification Scheme 2023. Collection method: clinical testing. Allele origin: germline.
Comment: The p.N352H variant (also known as c.1054A>C), located in coding exon 2 of the NEFL gene, results from an A to C substitution at nucleotide position 1054. The asparagine at codon 352 is replaced by histidine, an amino acid with similar properties. This amino acid position is conserved. In addition, this alteration is predicted to be tolerated by in silico analysis. Since supporting evidence is limited at this time, the clinical significance of this alteration remains unclear.

NM_006158.5(NEFL):c.1054A>C (p.Asn352His)

Genes: NEFL (neurofilament light chain; minus strand), LOC126860330 (BRD4-independent group 4 enhancer GRCh37_chr8:24811677-24812876; plus strand). Cytogenetic location: 8p21.2.
Variant type: single nucleotide variant.
Coding change: c.1054A>C on transcript NM_006158.5 (MANE Select); coding-DNA position 1054, A replaced by C.
Protein change: p.Asn352His; replaces asparagine 352 with histidine.
Molecular consequence: missense variant.
Genome position (GRCh38, 1-based): chr8:24,954,296, T>G on the plus strand (A>C on the coding strand, the complement: NEFL is on the minus strand). VCF-style: chr8-24954296-T-G. GRCh37 (hg19) VCF-style: chr8-24811810-T-G.
Other names: short protein forms N352H.
Identifiers: ClinVar variation 1423616 (VCV001423616.8), dbSNP rs748970912, ClinGen allele CA4681351.